The following is an entry in ClinVar:

NM_001177382.2(CPEB2):c.2523T>C (p.Ile841=)

Genes: C1QTNF7-AS1 (C1QTNF7 antisense RNA 1; minus strand), CPEB2 (cytoplasmic polyadenylation element binding protein 2; plus strand). Cytogenetic location: 4p15.32.
Variant type: single nucleotide variant.
Coding change: c.2523T>C on transcript NM_001177382.2 (MANE Select); coding-DNA position 2523, T replaced by C.
Protein change: p.Ile841=; no amino-acid change (isoleucine 841 retained).
Molecular consequence: synonymous variant.
Genome position (GRCh38, 1-based): chr4:15,058,482, T>C. VCF-style: chr4-15058482-T-C. GRCh37 (hg19) VCF-style: chr4-15060106-T-C.
Other names: c.2442T>C, p.Ile814= (NM_001177381.2); c.2433T>C, p.Ile811= (NM_001177383.2); c.2418T>C, p.Ile806= (NM_001177384.2); c.2499T>C, p.Ile833= (NM_182485.3); c.2409T>C, p.Ile803= (NM_182646.3).
Identifiers: ClinVar variation 3905128 (VCV003905128.10).

ClinVar aggregate classification (germline): Likely benign (1 of 4 stars; one submission).

gnomAD v4.1: 17 of 1,613,096 alleles (0.0011%); highest among the groups gnomAD compares: Middle Eastern, 0.016%; no homozygotes.

Submission:

CeGaT Center for Human Genetics Tuebingen
Classification: Likely benign. Last evaluated: 2025-06-01. Review status: criteria provided, single submitter. Criteria: CeGaT Center For Human Genetics Tuebingen Variant Classification Criteria Version 2. Collection method: clinical testing. Allele origin: germline. Affected: yes. Observed: 1 variant allele.
Comment: CPEB2: BP4, BP7